The following is an entry in ClinVar:

NM_005529.7(HSPG2):c.5152G>T (p.Val1718Leu)

Gene: HSPG2 (heparan sulfate proteoglycan 2; minus strand). Cytogenetic location: 1p36.12.
Variant type: single nucleotide variant.
Coding change: c.5152G>T on transcript NM_005529.7 (MANE Select); coding-DNA position 5152, G replaced by T.
Protein change: p.Val1718Leu; replaces valine 1718 with leucine.
Molecular consequence: missense variant.
Genome position (GRCh38, 1-based): chr1:21,859,865, C>A on the plus strand (G>T on the coding strand, the complement: HSPG2 is on the minus strand). VCF-style: chr1-21859865-C-A. GRCh37 (hg19) VCF-style: chr1-22186358-C-A.
Other names: c.5155G>T, p.Val1719Leu (NM_001291860.2); c.5152G>T (NM_005529.5); short protein forms V1718L, V1719L.
Identifiers: ClinVar variation 1470636 (VCV001470636.11), dbSNP rs768867318, ClinGen allele CA672046.

ClinVar aggregate classification (germline): Conflicting classifications of pathogenicity. Review status: criteria provided, conflicting classifications (1 of 4 stars). 3 submissions from 3 submitters: Uncertain significance (2); Likely benign (1). Last evaluated 2025-08-07.

Conditions:
Inborn genetic diseases. Identifiers: MedGen C0950123, MeSH D030342.

Allele frequency attached by ClinVar (database versions not stated): ExAC 0.00001; gnomAD exomes 0.00001 and 0.00002; gnomAD 0.00002; TOPMed 0.00002.
gnomAD v4.1: 31 of 1,611,376 alleles (0.0019%); highest among the groups gnomAD compares: African/African-American, 0.0027%; no homozygotes.

Submissions (3):

Ambry Genetics
Classification: Likely benign for Inborn genetic diseases. Last evaluated: 2025-08-07. Review status: criteria provided, single submitter. Criteria: Ambry Variant Classification Scheme 2023. Collection method: clinical testing. Allele origin: germline.

Labcorp Genetics (formerly Invitae), Labcorp
Classification: Uncertain significance. Last evaluated: 2024-05-08. Review status: criteria provided, single submitter. Criteria: Invitae Variant Classification Sherloc (09022015). Collection method: clinical testing. Allele origin: germline.
Comment: This sequence change replaces valine, which is neutral and non-polar, with leucine, which is neutral and non-polar, at codon 1718 of the HSPG2 protein (p.Val1718Leu). This variant is present in population databases (rs768867318, gnomAD 0.007%). This variant has not been reported in the literature in individuals affected with HSPG2-related conditions. ClinVar contains an entry for this variant (Variation ID: 1470636). Algorithms developed to predict the effect of missense changes on protein structure and function output the following: SIFT: "Not Available"; PolyPhen-2: "Benign"; Align-GVGD: "Not Available". The leucine amino acid residue is found in multiple mammalian species, which suggests that this missense change does not adversely affect protein function. In summary, the available evidence is currently insufficient to determine the role of this variant in disease. Therefore, it has been classified as a Variant of Uncertain Significance.

Revvity Omics, Revvity
Classification: Uncertain significance. Last evaluated: 2019-07-18. Review status: criteria provided, single submitter. Criteria: ACMG Guidelines, 2015. Collection method: clinical testing. Allele origin: germline.